The following is an entry in ClinVar:

NM_003118.4(SPARC):c.615C>T (p.Arg205=)

Gene: SPARC (secreted protein acidic and cysteine rich; minus strand). Cytogenetic location: 5q33.1.
Variant type: single nucleotide variant.
Coding change: c.615C>T on transcript NM_003118.4 (MANE Select); coding-DNA position 615, C replaced by T.
Protein change: p.Arg205=; no amino-acid change (arginine 205 retained).
Molecular consequence: synonymous variant.
Genome position (GRCh38, 1-based): chr5:151,666,480, G>A on the plus strand (C>T on the coding strand, the complement: SPARC is on the minus strand). VCF-style: chr5-151666480-G-A. GRCh37 (hg19) VCF-style: chr5-151046041-G-A.
Other names: c.612C>T, p.Arg204= (NM_001309443.2); c.615C>T, p.Arg205= (NM_001309444.2).
Identifiers: ClinVar variation 3351835 (VCV003351835.2).

ClinVar aggregate classification (germline): Likely benign. Review status: criteria provided, single submitter (1 of 4 stars). 2 submissions from 2 submitters: Likely benign (1). 1 of the submissions does not count toward it. Last evaluated 2025-08-29.

Conditions:
SPARC-related disorder. Also called: SPARC-related condition.

gnomAD v4.1: 3 of 1,614,016 alleles (0.00019%); highest among the groups gnomAD compares: African/African-American, 0.0013%; no homozygotes.

Submissions (2):

Labcorp Genetics (formerly Invitae), Labcorp
Classification: Likely benign. Last evaluated: 2025-08-29. Review status: criteria provided, single submitter. Criteria: Invitae Variant Classification Sherloc (09022015). Collection method: clinical testing. Allele origin: germline.

PreventionGenetics, part of Exact Sciences
Classification: Likely benign for SPARC-related condition. Last evaluated: 2019-07-18. Review status: no assertion criteria provided. Collection method: clinical testing. Allele origin: germline. Not counted in ClinVar's aggregate classification.
Comment: This variant is classified as likely benign based on ACMG/AMP sequence variant interpretation guidelines (Richards et al. 2015 PMID: 25741868, with internal and published modifications).